The following is an entry in ClinVar:

ClinVar aggregate classification (germline): Likely benign. Review status: criteria provided, multiple submitters, no conflicts (2 of 4 stars). 2 submissions from 2 submitters: Likely benign (2). Last evaluated 2026-03-01.

Allele frequency attached by ClinVar (database versions not stated): ExAC 0.00002; gnomAD exomes 0.00002 and 0.00003; gnomAD 0.00013; TOPMed 0.00020; ESP Exome Variant Server 0.00024.
gnomAD v4.1: 45 of 1,596,486 alleles (0.0028%); highest among the groups gnomAD compares: African/African-American, 0.038%; no homozygotes.

Submissions (2):

CeGaT Center for Human Genetics Tuebingen
Classification: Likely benign. Last evaluated: 2026-03-01. Review status: criteria provided, single submitter. Criteria: CeGaT Center For Human Genetics Tuebingen Variant Classification Criteria Version 2. Collection method: clinical testing. Allele origin: germline. Affected: yes. Observed: 1 variant allele.
Comment: RUSC2: BP4, BP7

Labcorp Genetics (formerly Invitae), Labcorp
Classification: Likely benign. Last evaluated: 2025-10-02. Review status: criteria provided, single submitter. Criteria: Invitae Variant Classification Sherloc (09022015). Collection method: clinical testing. Allele origin: germline.

NM_014806.5(RUSC2):c.3657C>T (p.Asp1219=)

Gene: RUSC2 (RUN and SH3 domain containing 2; plus strand). Cytogenetic location: 9p13.3.
Variant type: single nucleotide variant.
Coding change: c.3657C>T on transcript NM_014806.5 (MANE Select); coding-DNA position 3657, C replaced by T.
Protein change: p.Asp1219=; no amino-acid change (aspartic acid 1219 retained).
Molecular consequence: synonymous variant. On other transcripts: non-coding transcript variant (1).
Genome position (GRCh38, 1-based): chr9:35,560,297, C>T. VCF-style: chr9-35560297-C-T. GRCh37 (hg19) VCF-style: chr9-35560294-C-T.
Other names: c.3657C>T, p.Asp1219= (NM_001135999.2); c.1023C>T, p.Asp341= (NM_001330740.2).
Identifiers: ClinVar variation 1530888 (VCV001530888.12), dbSNP rs368954173, ClinGen allele CA5044212.
Genomic context (GRCh38, chr9:35,560,297, plus strand): 5'-GCTGTCTGCCCACTCCACGCTGCAGCTGGCCCGGGCCCGGGGCCAGGAGGGCCCTGGAGA[C>T]GTGGACAGGGCAGCCCAAGGGGAGCGGGTGAAGGGTGTGGGTGCCTCAGAAGGTGGAGAA-3'
Protein context (NP_055621.2, residues 1209-1229): ARARGQEGPG[Asp1219=]VDRAAQGERV